The following is an entry in ClinVar:

NM_198428.3(BBS9):c.327A>G (p.Ser109=)

Gene: BBS9 (Bardet-Biedl syndrome 9; plus strand). Cytogenetic location: 7p14.3.
Variant type: single nucleotide variant.
Coding change: c.327A>G on transcript NM_198428.3 (MANE Select); coding-DNA position 327, A replaced by G.
Protein change: p.Ser109=; no amino-acid change (serine 109 retained).
Molecular consequence: synonymous variant. On other transcripts: non-coding transcript variant (3), intron variant (4).
Genome position (GRCh38, 1-based): chr7:33,155,701, A>G. VCF-style: chr7-33155701-A-G. GRCh37 (hg19) VCF-style: chr7-33195313-A-G.
Other names: c.327A>G, p.Ser109= (NM_001033604.2, NM_001033605.2, NM_001348036.1 and 5 more transcripts); c.54A>G, p.Ser18= (NM_001348038.3, NM_001348039.3); c.192A>G, p.Ser64= (NM_001348042.3); c.-39+2850A>G (NM_001348037.3, NM_001348045.3); c.-38-21777A>G (NM_001348046.3, NM_001348044.3); c.327A>G (NM_198428.2).
Identifiers: ClinVar variation 3594534 (VCV003594534.2).

ClinVar aggregate classification (germline): Conflicting classifications of pathogenicity. Review status: criteria provided, conflicting classifications (1 of 4 stars). 2 submissions from 2 submitters: Uncertain significance (1); Likely benign (1). Last evaluated 2025-09-12.

Conditions:
BBS9-related disorder. Also called: BBS9-related condition.
Bardet-Biedl syndrome 9 (BBS9). Identifiers: Orphanet 110, MedGen C1859567, MONDO:0014437, OMIM 615986.

Submissions (2):

PreventionGenetics, part of Exact Sciences
Classification: Likely benign for BBS9-related condition. Last evaluated: 2025-09-12. Review status: criteria provided, single submitter. Criteria: ACMG Guidelines, 2015. Collection method: clinical testing. Allele origin: germline.
Comment: This variant is classified as likely benign based on ACMG/AMP sequence variant interpretation guidelines (Richards et al. 2015 PMID: 25741868, with internal and published modifications).

Fulgent Genetics
Classification: Uncertain significance for Bardet-Biedl syndrome 9. Last evaluated: 2024-06-17. Review status: criteria provided, single submitter. Criteria: ACMG Guidelines, 2015. Collection method: clinical testing. Allele origin: germline.